The following is an entry in ClinVar:

NM_022124.6(CDH23):c.2717G>A (p.Gly906Glu)

Gene: CDH23 (cadherin related 23; plus strand). Cytogenetic location: 10q22.1.
Variant type: single nucleotide variant.
Coding change: c.2717G>A on transcript NM_022124.6 (MANE Select); coding-DNA position 2717, G replaced by A.
Protein change: p.Gly906Glu; replaces glycine 906 with glutamic acid.
Molecular consequence: missense variant.
Genome position (GRCh38, 1-based): chr10:71,702,678, G>A. VCF-style: chr10-71702678-G-A. GRCh37 (hg19) VCF-style: chr10-73462435-G-A.
Other names: c.2717G>A, p.Gly906Glu (NM_001171930.2, NM_001171931.2); short protein forms G906E.
Identifiers: ClinVar variation 1507965 (VCV001507965.3), dbSNP rs1006715050, ClinGen allele CA209452847.

ClinVar aggregate classification (germline): Uncertain significance (1 of 4 stars; one submission).

Allele frequency attached by ClinVar (database versions not stated): gnomAD exomes below 0.00001 and 0.00003; TOPMed 0.00003; gnomAD 0.00005.
gnomAD v4.1: 50 of 1,613,698 alleles (0.0031%); highest among the groups gnomAD compares: Non-Finnish European, 0.0042%; no homozygotes.

Submission:

Labcorp Genetics (formerly Invitae), Labcorp
Classification: Uncertain significance. Last evaluated: 2022-07-20. Review status: criteria provided, single submitter. Criteria: Invitae Variant Classification Sherloc (09022015). Collection method: clinical testing. Allele origin: germline.
Comment: This sequence change replaces glycine, which is neutral and non-polar, with glutamic acid, which is acidic and polar, at codon 906 of the CDH23 protein (p.Gly906Glu). This variant is present in population databases (no rsID available, gnomAD 0.002%). This variant has not been reported in the literature in individuals affected with CDH23-related conditions. ClinVar contains an entry for this variant (Variation ID: 1507965). Algorithms developed to predict the effect of missense changes on protein structure and function are either unavailable or do not agree on the potential impact of this missense change (SIFT: "Deleterious"; PolyPhen-2: "Not Available"; Align-GVGD: "Class C65"). In summary, the available evidence is currently insufficient to determine the role of this variant in disease. Therefore, it has been classified as a Variant of Uncertain Significance.